The following is an entry in ClinVar:

ClinVar aggregate classification (germline): Uncertain significance (1 of 4 stars; one submission).

Conditions:
Oto-palato-digital syndrome, type II (OPD2). Also called: Otopalatodigital Syndrome Type 2 (FLNA-OPD2); FACIOPALATOOSSEOUS SYNDROME; OPD II SYNDROME; Otopalatodigital Syndrome, Type II. Identifiers: Orphanet 669, Orphanet 90652, MedGen C1844696, MONDO:0010571, OMIM 304120.
Heterotopia, periventricular, X-linked dominant (PVNH1). Also called: PERIVENTRICULAR NODULAR HETEROTOPIA 1; X-linked periventricular heterotopia; PERIVENTRICULAR NODULAR HETEROTOPIA 4; HETEROTOPIA, PERIVENTRICULAR, 1. Identifiers: Orphanet 2149, Orphanet 82004, MedGen C1848213, MONDO:0010233, OMIM 300049.
Melnick-Needles syndrome (MNS). Also called: Melnick-Needles Syndrome (FLNA-MNS); MELNICK-NEEDLES OSTEODYSPLASTY; OSTEODYSPLASTY OF MELNICK AND NEEDLES. Identifiers: Orphanet 2484, MedGen C0025237, MONDO:0010650, OMIM 309350.
Frontometaphyseal dysplasia (FMD1). Identifiers: Orphanet 1826, MedGen C0265293, MONDO:0015942.

Submission:

Labcorp Genetics (formerly Invitae), Labcorp
Classification: Uncertain significance for Oto-palato-digital syndrome, type II; Heterotopia, periventricular, X-linked dominant; Frontometaphyseal dysplasia; Melnick-Needles syndrome. Last evaluated: 2022-10-30. Review status: criteria provided, single submitter. Criteria: Invitae Variant Classification Sherloc (09022015). Collection method: clinical testing. Allele origin: germline.
Comment: In summary, the available evidence is currently insufficient to determine the role of this variant in disease. Therefore, it has been classified as a Variant of Uncertain Significance. Advanced modeling of protein sequence and biophysical properties (such as structural, functional, and spatial information, amino acid conservation, physicochemical variation, residue mobility, and thermodynamic stability) performed at Invitae indicates that this missense variant is not expected to disrupt FLNA protein function. This variant has not been reported in the literature in individuals affected with FLNA-related conditions. This variant is not present in population databases (gnomAD no frequency). This sequence change replaces asparagine, which is neutral and polar, with serine, which is neutral and polar, at codon 251 of the FLNA protein (p.Asn251Ser).

NM_001110556.2(FLNA):c.752A>G (p.Asn251Ser)

Gene: FLNA (filamin A; minus strand). Cytogenetic location: Xq28.
Variant type: single nucleotide variant.
Coding change: c.752A>G on transcript NM_001110556.2 (MANE Select); coding-DNA position 752, A replaced by G.
Protein change: p.Asn251Ser; replaces asparagine 251 with serine.
Molecular consequence: missense variant.
Genome position (GRCh38, 1-based): chrX:154,367,513, T>C on the plus strand (A>G on the coding strand, the complement: FLNA is on the minus strand). VCF-style: chrX-154367513-T-C. GRCh37 (hg19) VCF-style: chrX-153595881-T-C.
Other names: c.752A>G, p.Asn251Ser (NM_001456.4); short protein forms N251S.
Identifiers: ClinVar variation 2928576 (VCV002928576.3), dbSNP rs2522764128, ClinGen allele CA415248645.